The following is an entry in ClinVar:

NM_004360.5(CDH1):c.2435A>G (p.Asp812Gly)

Gene: CDH1 (cadherin 1; plus strand). Cytogenetic location: 16q22.1.
Variant type: single nucleotide variant.
Coding change: c.2435A>G on transcript NM_004360.5 (MANE Select); coding-DNA position 2435, A replaced by G.
Protein change: p.Asp812Gly; replaces aspartic acid 812 with glycine.
Molecular consequence: missense variant.
Genome position (GRCh38, 1-based): chr16:68,829,793, A>G. VCF-style: chr16-68829793-A-G. GRCh37 (hg19) VCF-style: chr16-68863696-A-G.
Other names: c.2435A>G (LRG_301t1); c.2252A>G, p.Asp751Gly (NM_001317184.2); c.887A>G, p.Asp296Gly (NM_001317185.2); c.470A>G, p.Asp157Gly (NM_001317186.2); short protein forms D812G, D296G, D751G, D157G.
Identifiers: ClinVar variation 239894 (VCV000239894.10), dbSNP rs878854684, ClinGen allele CA10583422.
Genomic context (GRCh38, chr16:68,829,793, plus strand): 5'-TGAGTGTCCCCCGGTATCTTCCCCGCCCTGCCAATCCCGATGAAATTGGAAATTTTATTG[A>G]TGAAGTAAGTAATCCACGTGGAAAGCCAAAGCATGGCTCATCTCTAAGCTCAGGAGGAGT-3'
Protein context (NP_004351.1, residues 802-822): ANPDEIGNFI[Asp812Gly]ENLKAADTDP

ClinVar aggregate classification (germline): Uncertain significance. Review status: criteria provided, multiple submitters, no conflicts (2 of 4 stars). 2 submissions from 2 submitters: Uncertain significance (2). Last evaluated 2021-09-02.

Conditions:
Blepharocheilodontic syndrome 1 (BCDS1). Identifiers: Orphanet 1997, MedGen C4551988, MONDO:0054740, OMIM 119580.
Hereditary diffuse gastric adenocarcinoma (HDGC). Also called: DIFFUSE GASTRIC AND LOBULAR BREAST CANCER SYNDROME. Identifiers: Orphanet 26106, MedGen C1708349, MONDO:0007648, OMIM 137215.
Endometrial carcinoma. Also called: Endometrial carcinoma, somatic. Identifiers: MedGen C0476089, MONDO:0002447, OMIM 608089, HP:0012114.
Ovarian neoplasm. Also called: Neoplasm of ovary; Ovarian tumor; Ovarian Neoplasms. Identifiers: MedGen C0919267, MeSH D010051, MONDO:0021068, HP:0100615.
Prostate cancer. Also called: Malignant tumor of prostate. Identifiers: Orphanet 1331, MedGen C0376358, MONDO:0008315, HP:0012125.
Familial cancer of breast. Also called: hereditary breast carcinoma; BREAST CANCER, FAMILIAL; Hereditary breast cancer. Identifiers: Orphanet 227535, MedGen C0346153, MONDO:0016419, OMIM 114480. Disease mechanism: loss of function.

Submissions (2):

Fulgent Genetics
Classification: Uncertain significance for Familial cancer of breast; Blepharocheilodontic syndrome 1; Hereditary diffuse gastric adenocarcinoma; Ovarian cancer; Familial prostate cancer; Endometrial carcinoma. Last evaluated: 2021-09-02. Review status: criteria provided, single submitter. Criteria: ACMG Guidelines, 2015. Collection method: clinical testing. Allele origin: unknown.

Labcorp Genetics (formerly Invitae), Labcorp
Classification: Uncertain significance for Hereditary diffuse gastric adenocarcinoma. Last evaluated: 2015-11-24. Review status: criteria provided, single submitter. Criteria: Invitae Variant Classification Sherloc (09022015). Collection method: clinical testing. Allele origin: germline.
Comment: This sequence change replaces aspartic acid with glycine at codon 812 of the CDH1 protein (p.Asp812Gly). The aspartic acid residue is highly conserved and there is a moderate physicochemical difference between aspartic acid and glycine. Algorithms developed to predict the effect of missense changes on protein structure and function (SIFT, PolyPhen-2, Align-GVGD) all suggest that this variant is likely to be disruptive, but these predictions have not been confirmed by published functional studies. This variant is not present in population databases (ExAC no frequency) and has not been reported in the literature. In summary, this is a novel missense change with uncertain impact on protein function. It has been classified as a Variant of Uncertain Significance.